The following is an entry in ClinVar:

ClinVar aggregate classification (germline): Conflicting classifications of pathogenicity. Review status: criteria provided, conflicting classifications (1 of 4 stars). 2 submissions from 2 submitters: Uncertain significance (1); Likely benign (1). Last evaluated 2025-04-16.

Conditions:
COL6A1-related disorder. Also called: COL6A1-related condition.
Bethlem myopathy 1A. Also called: MYOPATHY, BENIGN CONGENITAL, WITH CONTRACTURES; Bethlem myopathy 1; Bethlem Muscular Dystrophy. Identifiers: Orphanet 610, MedGen CN029274, MONDO:0024530, OMIM 158810.

Allele frequency attached by ClinVar (database versions not stated): gnomAD exomes below 0.00001; TOPMed below 0.00001; ExAC 0.00001.
gnomAD v4.1: 2 of 1,612,734 alleles (0.00012%); highest among the groups gnomAD compares: Admixed American, 0.0017%; no homozygotes.

Submissions (2):

PreventionGenetics, part of Exact Sciences
Classification: Uncertain significance for COL6A1-related condition. Last evaluated: 2025-04-16. Review status: criteria provided, single submitter. Criteria: ACMG Guidelines, 2015. Collection method: clinical testing. Allele origin: germline.
Comment: The COL6A1 c.1877T>C variant is predicted to result in the amino acid substitution p.Ile626Thr. To our knowledge, this variant has not been reported in the literature. This variant is reported in 0.0029% of alleles in individuals of Latino descent in gnomAD. At this time, the clinical significance of this variant is uncertain due to the absence of conclusive functional and genetic evidence.

Labcorp Genetics (formerly Invitae), Labcorp
Classification: Likely benign for Bethlem myopathy 1A. Last evaluated: 2023-12-04. Review status: criteria provided, single submitter. Criteria: Invitae Variant Classification Sherloc (09022015). Collection method: clinical testing. Allele origin: germline.

NM_001848.3(COL6A1):c.1877T>C (p.Ile626Thr)

Gene: COL6A1 (collagen type VI alpha 1 chain; plus strand). Cytogenetic location: 21q22.3.
Variant type: single nucleotide variant.
Coding change: c.1877T>C on transcript NM_001848.3 (MANE Select); coding-DNA position 1877, T replaced by C.
Protein change: p.Ile626Thr; replaces isoleucine 626 with threonine.
Molecular consequence: missense variant.
Genome position (GRCh38, 1-based): chr21:46,001,307, T>C. VCF-style: chr21-46001307-T-C. GRCh37 (hg19) VCF-style: chr21-47421221-T-C.
Other names: short protein forms I626T.
Identifiers: ClinVar variation 476421 (VCV000476421.10), dbSNP rs781626943, ClinGen allele CA10070648.